The following is an entry in ClinVar:

NM_181426.2(CCDC39):c.2017G>T (p.Glu673Ter)

Gene: CCDC39 (coiled-coil domain 39 molecular ruler complex subunit; minus strand). Cytogenetic location: 3q26.33.
Variant type: single nucleotide variant.
Coding change: c.2017G>T on transcript NM_181426.2 (MANE Select); coding-DNA position 2017, G replaced by T.
Protein change: p.Glu673Ter; replaces glutamic acid 673 with a stop codon.
Molecular consequence: nonsense.
Genome position (GRCh38, 1-based): chr3:180,619,952, C>A on the plus strand (G>T on the coding strand, the complement: CCDC39 is on the minus strand). VCF-style: chr3-180619952-C-A. GRCh37 (hg19) VCF-style: chr3-180337740-C-A.
Other names: short protein forms E673*.
Identifiers: ClinVar variation 1363237 (VCV001363237.6), dbSNP rs762287443, ClinGen allele CA2715786.

ClinVar aggregate classification (germline): Pathogenic (1 of 4 stars; one submission).

Conditions:
Primary ciliary dyskinesia. Also called: Ciliary dyskinesia. Identifiers: Orphanet 244, MedGen C0008780, MONDO:0016575, HP:0012265.

Allele frequency attached by ClinVar (database versions not stated): gnomAD exomes below 0.00001 and 0.00001; TOPMed below 0.00001; ExAC 0.00001.
gnomAD v4.1: 11 of 1,605,850 alleles (0.00068%); highest among the groups gnomAD compares: East Asian, 0.013%; no homozygotes.

Submission:

Labcorp Genetics (formerly Invitae), Labcorp
Classification: Pathogenic for Primary ciliary dyskinesia. Last evaluated: 2025-02-19. Review status: criteria provided, single submitter. Criteria: Invitae Variant Classification Sherloc (09022015). Collection method: clinical testing. Allele origin: germline.
Comment: This sequence change creates a premature translational stop signal (p.Glu673*) in the CCDC39 gene. It is expected to result in an absent or disrupted protein product. Loss-of-function variants in CCDC39 are known to be pathogenic (PMID: 21131972, 23255504). The frequency data for this variant in the population databases is considered unreliable, as metrics indicate poor data quality at this position in the gnomAD database. This variant has not been reported in the literature in individuals affected with CCDC39-related conditions. ClinVar contains an entry for this variant (Variation ID: 1363237). Algorithms developed to predict the effect of sequence changes on RNA splicing suggest that this variant may disrupt the consensus splice site. For these reasons, this variant has been classified as Pathogenic.

Literature cited by the submitters: PubMed 21131972; PubMed 23255504.